The following is an entry in ClinVar:

NM_003280.3(TNNC1):c.221T>G (p.Phe74Cys)

Gene: TNNC1 (troponin C1, slow skeletal and cardiac type; minus strand). Cytogenetic location: 3p21.1.
Variant type: single nucleotide variant.
Coding change: c.221T>G on transcript NM_003280.3 (MANE Select); coding-DNA position 221, T replaced by G.
Protein change: p.Phe74Cys; replaces phenylalanine 74 with cysteine.
Molecular consequence: missense variant.
Genome position (GRCh38, 1-based): chr3:52,451,840, A>C on the plus strand (T>G on the coding strand, the complement: TNNC1 is on the minus strand). VCF-style: chr3-52451840-A-C. GRCh37 (hg19) VCF-style: chr3-52485856-A-C.
Other names: short protein forms F74C.
Identifiers: ClinVar variation 1014965 (VCV001014965.5), dbSNP rs1318170964, ClinGen allele CA353167549.

ClinVar aggregate classification (germline): Uncertain significance. Review status: criteria provided, multiple submitters, no conflicts (2 of 4 stars). 2 submissions from 2 submitters: Uncertain significance (2). Last evaluated 2022-01-17.

Conditions:
Dilated cardiomyopathy 1Z (CMD1Z). Identifiers: Orphanet 154, MedGen C2678475, MONDO:0012745, OMIM 611879.
Hypertrophic cardiomyopathy 13. Also called: TNNC1-Related Familial Hypertrophic Cardiomyopathy. Identifiers: MedGen C2750472, MONDO:0013195, OMIM 613243.

Allele frequency attached by ClinVar (database versions not stated): TOPMed below 0.00001; gnomAD 0.00001; gnomAD exomes 0.00001.
gnomAD v4.1: 6 of 1,613,918 alleles (0.00037%); highest among the groups gnomAD compares: Non-Finnish European, 0.00051%; no homozygotes.

Submissions (2):

Labcorp Genetics (formerly Invitae), Labcorp
Classification: Uncertain significance for Hypertrophic cardiomyopathy 13; Dilated cardiomyopathy 1Z. Last evaluated: 2022-01-17. Review status: criteria provided, single submitter. Criteria: Invitae Variant Classification Sherloc (09022015). Collection method: clinical testing. Allele origin: germline.
Comment: This variant is not present in population databases (gnomAD no frequency). This sequence change replaces phenylalanine, which is neutral and non-polar, with cysteine, which is neutral and slightly polar, at codon 74 of the TNNC1 protein (p.Phe74Cys). This variant has not been reported in the literature in individuals affected with TNNC1-related conditions. ClinVar contains an entry for this variant (Variation ID: 1014965). Algorithms developed to predict the effect of missense changes on protein structure and function (SIFT, PolyPhen-2, Align-GVGD) all suggest that this variant is likely to be disruptive. In summary, the available evidence is currently insufficient to determine the role of this variant in disease. Therefore, it has been classified as a Variant of Uncertain Significance.

AiLife Diagnostics
Classification: Uncertain significance. Last evaluated: 2021-04-24. Review status: criteria provided, single submitter. Criteria: ACMG Guidelines, 2015. Collection method: clinical testing. Allele origin: germline. Affected: yes. Observed: 1 variant allele.